The following is an entry in ClinVar:

NM_014363.6(SACS):c.1591_1592del (p.Ile531fs)

Gene: SACS (sacsin molecular chaperone; minus strand). Cytogenetic location: 13q12.12.
Variant type: Deletion.
Coding change: c.1591_1592del on transcript NM_014363.6 (MANE Select); coding-DNA positions 1591 to 1592, 2 bases deleted (AT; older notation c.1591_1592delAT).
Protein change: p.Ile531fs; shifts the reading frame from isoleucine 531.
Molecular consequence: frameshift variant.
Genome position (GRCh38, 1-based): chr13:23,355,020-23,355,021, AT deleted on the plus strand (AT on the coding strand, the reverse complement: SACS is on the minus strand); deleting any 2 consecutive bases within chr13:23,355,020-23,355,022 gives the same sequence; the c. name uses the placement nearest the transcript's 3' end. VCF-style (leftmost placement, unchanged base first): chr13-23355019-GAT-G. GRCh37 (hg19) VCF-style: chr13-23929158-GAT-G.
Other names: c.1150_1151del, p.Ile384fs (NM_001278055.2); c.1591_1592del, p.Ile531fs (NM_001437336.1); short protein forms I384fs, I531fs.
Identifiers: ClinVar variation 4815687 (VCV004815687.1).

ClinVar aggregate classification (germline): Likely pathogenic (1 of 4 stars; one submission).

Conditions:
Charlevoix-Saguenay spastic ataxia (SACS). Also called: AUTOSOMAL RECESSIVE SPASTIC ATAXIA OF CHARLEVOIX-SAGUENAY; Spastic ataxia of Charlevoix-Saguenay; SPASTIC ATAXIA 6, AUTOSOMAL RECESSIVE. Identifiers: Orphanet 98, MedGen C1849140, MONDO:0010041, OMIM 270550.

Submission:

Natera, Inc.
Classification: Likely pathogenic for Charlevoix-Saguenay type spastic ataxia. Last evaluated: 2025-09-28. Review status: criteria provided, single submitter. Criteria: Natera Variant Classification Schema (03/2026). Collection method: clinical testing. Allele origin: germline.
Comment: The c.1591_1592del variant in SACS is a frameshift variant predicted to shift the reading frame beginning at codon 531 and leads to a stop codon 2 codons downstream. This variant is expected to result in nonsense mediated decay, truncation, or a dysfunctional protein product. This variant is rare in the general population with a frequency below the threshold expected for the associated phenotype(s). Given the available evidence, this variant is classified as Likely Pathogenic.